The following is an entry in ClinVar:

ClinVar aggregate classification (germline): Uncertain significance. Review status: criteria provided, multiple submitters, no conflicts (2 of 4 stars). 4 submissions from 4 submitters: Uncertain significance (4). Last evaluated 2025-11-27.

Conditions:
Lynch syndrome 4 (LYNCH4). Also called: Hereditary non-polyposis colorectal cancer, type 4; Colorectal cancer, hereditary nonpolyposis, type 4. Identifiers: Orphanet 144, MedGen C1838333, MONDO:0013699, OMIM 614337. Disease mechanism: loss of function.
Hereditary cancer-predisposing syndrome. Also called: Tumor predisposition; Hereditary neoplastic syndrome; Hereditary Cancer Syndrome; Neoplastic Syndromes, Hereditary. Identifiers: Orphanet 140162, MedGen C0027672, MeSH D009386, MONDO:0015356.
Lynch syndrome. Identifiers: Orphanet 144, MedGen C4552100, MONDO:0005835. Disease mechanism: loss of function.
Hereditary nonpolyposis colorectal neoplasms. Identifiers: MedGen C0009405, MeSH D003123.

Submissions (4):

Labcorp Genetics (formerly Invitae), Labcorp
Classification: Uncertain significance for Hereditary nonpolyposis colorectal neoplasms. Last evaluated: 2025-11-27. Review status: criteria provided, single submitter. Criteria: Invitae Variant Classification Sherloc (09022015). Collection method: clinical testing. Allele origin: germline.
Comment: This sequence change replaces glutamine, which is neutral and polar, with histidine, which is basic and polar, at codon 205 of the PMS2 protein (p.Gln205His). This variant is not present in population databases (gnomAD no frequency). This variant has not been reported in the literature in individuals affected with PMS2-related conditions. ClinVar contains an entry for this variant (Variation ID: 1464343). Invitae Evidence Modeling incorporating data from in vitro experimental studies (internal data) indicates that this missense variant is not expected to disrupt PMS2 function with a negative predictive value of 95%. In summary, the available evidence is currently insufficient to determine the role of this variant in disease. Therefore, it has been classified as a Variant of Uncertain Significance.

Ambry Genetics
Classification: Uncertain significance for Hereditary cancer-predisposing syndrome. Last evaluated: 2024-10-02. Review status: criteria provided, single submitter. Criteria: Ambry Variant Classification Scheme 2023. Collection method: clinical testing. Allele origin: germline.
Comment: The p.Q205H variant (also known as c.615G>C), located in coding exon 6 of the PMS2 gene, results from a G to C substitution at nucleotide position 615. The glutamine at codon 205 is replaced by histidine, an amino acid with highly similar properties. This amino acid position is highly conserved in available vertebrate species. In addition, this alteration is predicted to be tolerated by in silico analysis. Based on the available evidence, the clinical significance of this variant remains unclear.

Baylor Genetics
Classification: Uncertain significance for Lynch syndrome 4. Last evaluated: 2023-09-11. Review status: criteria provided, single submitter. Criteria: ACMG Guidelines, 2015. Collection method: clinical testing. Allele origin: unknown.

All of Us Research Program, National Institutes of Health
Classification: Uncertain significance for Lynch syndrome. Last evaluated: 2023-06-28. Review status: criteria provided, single submitter. Criteria: ACMG Guidelines, 2015. Collection method: clinical testing. Allele origin: germline. Inheritance: Autosomal dominant inheritance. Observed: 1 variant allele, 1 heterozygote.
Comment: This study involves interpretation of variants in research participants for the purpose of population health screening. Participant phenotype was not available at the time of variant classification. Additional details can be found in publication PMID: 35346344, PMCID: PMC8962531

NM_000535.7(PMS2):c.615G>C (p.Gln205His)

Gene: PMS2 (PMS1 homolog 2, mismatch repair system component; minus strand). Cytogenetic location: 7p22.1.
Variant type: single nucleotide variant.
Coding change: c.615G>C on transcript NM_000535.7 (MANE Select); coding-DNA position 615, G replaced by C.
Protein change: p.Gln205His; replaces glutamine 205 with histidine.
Molecular consequence: missense variant. On other transcripts: 5 prime UTR variant (2), non-coding transcript variant (1), intron variant (1).
Genome position (GRCh38, 1-based): chr7:5,999,198, C>G on the plus strand (G>C on the coding strand, the complement: PMS2 is on the minus strand). VCF-style: chr7-5999198-C-G. GRCh37 (hg19) VCF-style: chr7-6038829-C-G.
Other names: c.210G>C, p.Gln70His (NM_001322003.2, NM_001322004.2, NM_001322005.2 and 2 more transcripts); c.615G>C, p.Gln205His (NM_001322006.2, NM_001322014.2); c.297G>C, p.Gln99His (NM_001322007.2, NM_001322008.2); c.-319G>C (NM_001322011.2, NM_001322012.2); c.306G>C, p.Gln102His (NM_001322015.2); c.133-1775G>C (NM_001322013.2); short protein forms Q70H, Q102H, Q205H, Q99H.
Identifiers: ClinVar variation 1464343 (VCV001464343.11), dbSNP rs752499497, ClinGen allele CA366743979.